The following is an entry in ClinVar:

NM_001127222.2(CACNA1A):c.2131A>G (p.Ile711Val)

Gene: CACNA1A (calcium voltage-gated channel subunit alpha1 A; minus strand). Cytogenetic location: 19p13.13.
Variant type: single nucleotide variant.
Coding change: c.2131A>G on transcript NM_001127222.2 (MANE Select); coding-DNA position 2131, A replaced by G.
Protein change: p.Ile711Val; replaces isoleucine 711 with valine.
Molecular consequence: missense variant.
Genome position (GRCh38, 1-based): chr19:13,303,587, T>C on the plus strand (A>G on the coding strand, the complement: CACNA1A is on the minus strand). VCF-style: chr19-13303587-T-C. GRCh37 (hg19) VCF-style: chr19-13414401-T-C.
Other names: c.2134A>G, p.Ile712Val (NM_000068.4, NM_001127221.2, NM_001174080.2 and 1 more transcripts); short protein forms I711V, I712V.
Identifiers: ClinVar variation 803532 (VCV000803532.14), dbSNP rs1568514116, ClinGen allele CA404344184.

ClinVar aggregate classification (germline): Pathogenic/Likely pathogenic. Review status: criteria provided, multiple submitters, no conflicts (2 of 4 stars). 4 submissions from 4 submitters: Pathogenic (2); Likely pathogenic (2). Last evaluated 2023-01-01.

Conditions:
CACNA1A-related disorder. Also called: CACNA1A-related condition.
Episodic ataxia type 2 (EA2). Also called: ATAXIA, EPISODIC, WITH NYSTAGMUS; ATAXIA, FAMILIAL PAROXYSMAL; CEREBELLAR ATAXIA, PAROXYSMAL, ACETAZOLAMIDE-RESPONSIVE; CEREBELLOPATHY, HEREDITARY PAROXYSMAL; EPISODIC ATAXIA, NYSTAGMUS-ASSOCIATED; ACETAZOLAMIDE-RESPONSIVE HEREDITARY PAROXYSMAL CEREBELLAR ATAXIA. Identifiers: Orphanet 97, MedGen C1720416, MONDO:0007163, OMIM 108500.
Developmental and epileptic encephalopathy, 42 (DEE42A). Also called: DEVELOPMENTAL AND EPILEPTIC ENCEPHALOPATHY 42A; EPILEPTIC ENCEPHALOPATHY, EARLY INFANTILE, 42A; Epileptic encephalopathy, early infantile, 42. Identifiers: MedGen C4310716, MONDO:0014917, OMIM 617106.
Inborn genetic diseases. Identifiers: MedGen C0950123, MeSH D030342.

Submissions (4):

Labcorp Genetics (formerly Invitae), Labcorp
Classification: Pathogenic for Developmental and epileptic encephalopathy, 42; Episodic ataxia type 2. Last evaluated: 2023-01-01. Review status: criteria provided, single submitter. Criteria: Invitae Variant Classification Sherloc (09022015). Collection method: clinical testing. Allele origin: germline.
Comment: ClinVar contains an entry for this variant (Variation ID: 803532). This missense change has been observed in individual(s) with CACNA1A-related conditions (PMID: 18940563; Invitae). In at least one individual the variant was observed to be de novo. This variant is not present in population databases (gnomAD no frequency). This sequence change replaces isoleucine, which is neutral and non-polar, with valine, which is neutral and non-polar, at codon 712 of the CACNA1A protein (p.Ile712Val). Algorithms developed to predict the effect of missense changes on protein structure and function (SIFT, PolyPhen-2, Align-GVGD) all suggest that this variant is likely to be disruptive. For these reasons, this variant has been classified as Pathogenic.

Blueprint Genetics
Classification: Likely pathogenic for CACNA1A-related disorders. Last evaluated: 2020-12-09. Review status: criteria provided, single submitter. Criteria: ACMG Guidelines, 2015. Collection method: clinical testing. Allele origin: germline. Affected: yes. Observed: 1 variant allele.

Mendelics
Classification: Pathogenic for Episodic ataxia type 2. Last evaluated: 2019-05-28. Review status: criteria provided, single submitter. Criteria: Mendelics Assertion Criteria 2017. Collection method: clinical testing. Allele origin: unknown.

Ambry Genetics
Classification: Likely pathogenic for Inborn genetic diseases. Last evaluated: 2018-09-07. Review status: criteria provided, single submitter. Criteria: Ambry exome assertion method (8-5-2015). Collection method: clinical testing. Allele origin: germline. Affected: yes. Observed: 1 variant allele.

Literature cited by the submitters: PubMed 18940563 (cited by Labcorp Genetics (formerly Invitae), Labcorp and Ambry Genetics); PubMed 25758715 (cited by Ambry Genetics).